The following is an entry in ClinVar:

NM_181471.3(RFC2):c.695C>T (p.Ala232Val)

Gene: RFC2 (replication factor C subunit 2; minus strand). Cytogenetic location: 7q11.23.
Variant type: single nucleotide variant.
Coding change: c.695C>T on transcript NM_181471.3 (MANE Select); coding-DNA position 695, C replaced by T.
Protein change: p.Ala232Val; replaces alanine 232 with valine.
Molecular consequence: missense variant.
Genome position (GRCh38, 1-based): chr7:74,238,987, G>A on the plus strand (C>T on the coding strand, the complement: RFC2 is on the minus strand). VCF-style: chr7-74238987-G-A. GRCh37 (hg19) VCF-style: chr7-73653317-G-A.
Other names: c.392C>T, p.Ala131Val (NM_001278791.2); c.386C>T, p.Ala129Val (NM_001278792.2); c.290C>T, p.Ala97Val (NM_001278793.2); c.593C>T, p.Ala198Val (NM_002914.5); short protein forms A129V, A232V, A97V, A131V, A198V.
Identifiers: ClinVar variation 723095 (VCV000723095.20), dbSNP rs3135684, ClinGen allele CA4294996.
Genomic context (GRCh38, chr7:74,238,987, plus strand): 5'-AACACGTTCTCACTGTTAATGAAGCCAAATCCTGAGAAGGTGGACTGCAGGTTGTTCAGC[G>A]CCTGTTCAGGAGCAAACACATGTCAAGGATGATTTTTATATTTATTTCTTTTTGAGTAGA-3'
Protein context (NP_852136.1, residues 222-242): IFTAQGDMRQ[Ala232Val]LNNLQSTFSG

ClinVar aggregate classification (germline): Likely benign. Review status: criteria provided, multiple submitters, no conflicts (2 of 4 stars). 3 submissions from 3 submitters: Likely benign (3). Last evaluated 2026-05-01.

Allele frequency attached by ClinVar (database versions not stated): gnomAD 0.00078 and 0.00097; TOPMed 0.00097; ESP Exome Variant Server 0.00108; gnomAD exomes 0.00135 and 0.00165; ExAC 0.00176; 1000 Genomes Project 0.00240; 1000 Genomes Project 30x 0.00250.
gnomAD v4.1: 2,130 of 1,612,926 alleles (0.13%); highest among the groups gnomAD compares: South Asian, 0.69%; 14 homozygotes.

Submissions (3):

CeGaT Center for Human Genetics Tuebingen
Classification: Likely benign. Last evaluated: 2026-05-01. Review status: criteria provided, single submitter. Criteria: CeGaT Center For Human Genetics Tuebingen Variant Classification Criteria Version 2. Collection method: clinical testing. Allele origin: germline. Affected: yes. Observed: 3 variant alleles.
Comment: RFC2: BS2

Labcorp Genetics (formerly Invitae), Labcorp
Classification: Likely benign. Last evaluated: 2019-12-31. Review status: criteria provided, single submitter. Criteria: Invitae Variant Classification Sherloc (09022015). Collection method: clinical testing. Allele origin: germline.

Breakthrough Genomics
Classification: Likely benign. Review status: criteria provided, single submitter. Criteria: ACMG Guidelines, 2015. Collection method: not provided. Allele origin: germline. Inheritance: Unknown mechanism. Affected: yes.